The following is an entry in ClinVar:

NM_004304.5(ALK):c.3469T>C (p.Ser1157Pro)

Gene: ALK (ALK receptor tyrosine kinase; minus strand). Cytogenetic location: 2p23.2.
Variant type: single nucleotide variant.
Coding change: c.3469T>C on transcript NM_004304.5 (MANE Select); coding-DNA position 3469, T replaced by C.
Protein change: p.Ser1157Pro; replaces serine 1157 with proline.
Molecular consequence: missense variant.
Genome position (GRCh38, 1-based): chr2:29,222,390, A>G on the plus strand (T>C on the coding strand, the complement: ALK is on the minus strand). VCF-style: chr2-29222390-A-G. GRCh37 (hg19) VCF-style: chr2-29445256-A-G.
Other names: c.265T>C, p.Ser89Pro (NM_001353765.2); short protein forms S89P, S1157P.
Identifiers: ClinVar variation 964795 (VCV000964795.9), dbSNP rs1669827171, ClinGen allele CA346463218.
Genomic context (GRCh38, chr2:29,222,390, plus strand): 5'-CTCTGTGGCTTTACCTGATGATCAGGGCTTCCATGAGGAAATCCAGTTCGTCCTGTTCAG[A>G]GCACACTTCAGGCAGCGTCTGGGCAGAGAAGGGGAGGGTGGGGAGGAGGAGGAGGCTGTG-3'
Protein context (NP_004295.2, residues 1147-1167): VAVKTLPEVC[Ser1157Pro]EQDELDFLME

ClinVar aggregate classification (germline): Uncertain significance (1 of 4 stars; one submission).

Conditions:
Neuroblastoma, susceptibility to, 3. Also called: ALK-Related Neuroblastic Tumor Susceptibility. Identifiers: Orphanet 635, MedGen C2751681, MONDO:0013083, OMIM 613014.

Submission:

Labcorp Genetics (formerly Invitae), Labcorp
Classification: Uncertain significance for Neuroblastoma, susceptibility to, 3. Last evaluated: 2025-10-26. Review status: criteria provided, single submitter. Criteria: Invitae Variant Classification Sherloc (09022015). Collection method: clinical testing. Allele origin: germline.
Comment: This sequence change replaces serine, which is neutral and polar, with proline, which is neutral and non-polar, at codon 1157 of the ALK protein (p.Ser1157Pro). This variant is not present in population databases (gnomAD no frequency). This variant has not been reported in the literature in individuals affected with ALK-related conditions. ClinVar contains an entry for this variant (Variation ID: 964795). An algorithm developed to predict the effect of missense changes on protein structure and function (PolyPhen-2) suggests that this variant is likely to be disruptive. In summary, the available evidence is currently insufficient to determine the role of this variant in disease. Therefore, it has been classified as a Variant of Uncertain Significance.